The following is an entry in ClinVar:

NM_000038.6(APC):c.2593C>T (p.Pro865Ser)

Gene: APC (APC regulator of Wnt signaling pathway; plus strand). Cytogenetic location: 5q22.2.
Variant type: single nucleotide variant.
Coding change: c.2593C>T on transcript NM_000038.6 (MANE Select); coding-DNA position 2593, C replaced by T.
Protein change: p.Pro865Ser; replaces proline 865 with serine.
Molecular consequence: missense variant.
Genome position (GRCh38, 1-based): chr5:112,838,187, C>T. VCF-style: chr5-112838187-C-T. GRCh37 (hg19) VCF-style: chr5-112173884-C-T.
Other names: p.P865S:CCA>TCA; c.2593C>T, p.Pro865Ser (NM_001127510.3, NM_001354895.2); c.2539C>T, p.Pro847Ser (NM_001127511.3); c.2647C>T, p.Pro883Ser (NM_001354896.2); c.2623C>T, p.Pro875Ser (NM_001354897.2); c.2518C>T, p.Pro840Ser (NM_001354898.2); c.2509C>T, p.Pro837Ser (NM_001354899.2); c.2470C>T, p.Pro824Ser (NM_001354900.2); and 6 more; short protein forms P865S, P847S, P774S, P739S, P837S, P840S, P875S, P582S.
Identifiers: ClinVar variation 135690 (VCV000135690.47), dbSNP rs192620988, ClinGen allele CA007632.

ClinVar aggregate classification (germline): Conflicting classifications of pathogenicity. Review status: criteria provided, conflicting classifications (1 of 4 stars). 19 submissions from 19 submitters: Uncertain significance (5); Benign (2); Likely benign (11). 1 of the submissions does not count toward it. Last evaluated 2026-08-13.

Conditions:
APC-related disorder. Also called: APC-related condition.
Gardner syndrome (GS). Also called: Gardner's syndrome; Polyposis coli and multiple hard and soft tissue tumors; Intestinal polyposis, osteomas, sebaceous cysts. Identifiers: MedGen C0017097, MONDO:0019336. Disease mechanism: loss of function.
APC-related attenuated familial adenomatous polyposis. Identifiers: MedGen CN276349, MONDO:0016613.
Hereditary cancer. Identifiers: MedGen C1333600.
Hereditary cancer-predisposing syndrome. Also called: Neoplastic Syndromes, Hereditary; Tumor predisposition; Hereditary Cancer Syndrome; Hereditary neoplastic syndrome. Identifiers: Orphanet 140162, MedGen C0027672, MeSH D009386, MONDO:0015356.
Familial multiple polyposis syndrome (FAP). Also called: Familial Adenomatous Polyposis (FAP); Familial adenomatous polyposis; Familial intestinal polyposis; Familial polyposis; Classic familial adenomatous polyposis. Identifiers: Orphanet 733, MedGen C0032580, MONDO:0021055. Disease mechanism: loss of function.
Familial adenomatous polyposis 1 (FAP1). Also called: FAMILIAL ADENOMATOUS POLYPOSIS 1, ATTENUATED; POLYPOSIS, ADENOMATOUS INTESTINAL. Identifiers: MedGen C2713442, MONDO:0021056, OMIM 175100. Disease mechanism: loss of function.

Allele frequency attached by ClinVar (database versions not stated): ESP Exome Variant Server 0.00015; gnomAD 0.00027 and 0.00028; TOPMed 0.00038; 1000 Genomes Project 30x 0.00062; 1000 Genomes Project 0.00080.
gnomAD v4.1: 152 of 1,614,166 alleles (0.0094%); highest among the groups gnomAD compares: Middle Eastern, 0.12%; 1 homozygote.

Submissions (19):

St. Jude Molecular Pathology, St. Jude Children's Research Hospital
Classification: Likely benign for Familial adenomatous polyposis 1. Last evaluated: 2026-08-13. Review status: criteria provided, single submitter. Criteria: St. Jude Assertion Criteria 2020. Collection method: clinical testing. Allele origin: germline.
Comment: The APC c.2593C>T p.(Pro865Ser) missense change has a maximum non-founder subpopulation frequency of 0.012% in gnomAD v2.1.1. The in silico tool REVEL predicts a benign effect on protein function, but to our knowledge this prediction has not been confirmed by functional studies. This variant has been reported in an individual referred for genetic testing for hereditary cancer predisposition (PMID: 31159747). In summary, this variant meets criteria to be classified as likely benign.

Labcorp Genetics (formerly Invitae), Labcorp
Classification: Benign for Familial adenomatous polyposis 1. Last evaluated: 2026-02-03. Review status: criteria provided, single submitter. Criteria: Invitae Variant Classification Sherloc (09022015). Collection method: clinical testing. Allele origin: germline.

Women's Health and Genetics/Laboratory Corporation of America, LabCorp
Classification: Likely benign. Last evaluated: 2025-04-15. Review status: criteria provided, single submitter. Criteria: LabCorp Variant Classification Summary - May 2015. Collection method: clinical testing. Allele origin: germline.
Comment: Variant summary: APC c.2593C>T (p.Pro865Ser) results in a non-conservative amino acid change in the encoded protein sequence. Three of five in-silico tools predict a benign effect of the variant on protein function. The variant allele was found at a frequency of 7.6e-05 in 251054 control chromosomes (gnomAD). The observed variant frequency is approximately 1.06 fold of the estimated maximal expected allele frequency for a pathogenic variant in APC causing Familial Adenomatous Polyposis phenotype (7.1e-05). c.2593C>T has been observed in an individual with microsatellite unstable (MSI) sporadic colorectal cancer due to MLH1 promoter hypermethylation and in settings of multigene panel testing of clinical tumor samples (Domingo_2004, Goswami_2016), as well as in individuals with breast cancer (de Oliveira_2022). These reports do not provide unequivocal conclusions about association of the variant with Familial Adenomatous Polyposis. To our knowledge, no experimental evidence demonstrating an impact on protein function has been reported. The following publications have been ascertained in the context of this evaluation (PMID: 21859464, 14695993, 27124905, 35534704). ClinVar contains an entry for this variant (Variation ID: 135690). Based on the evidence outlined above, the variant was classified as likely benign.

ARUP Laboratories, Molecular Genetics and Genomics, ARUP Laboratories
Classification: Likely benign. Last evaluated: 2024-12-14. Review status: criteria provided, single submitter. Criteria: ARUP Molecular Germline Variant Investigation Process 2024. Collection method: clinical testing. Allele origin: germline.

PreventionGenetics, part of Exact Sciences
Classification: Likely benign for APC-related condition. Last evaluated: 2024-12-04. Review status: criteria provided, single submitter. Criteria: ACMG Guidelines, 2015. Collection method: clinical testing. Allele origin: germline.
Comment: This variant is classified as likely benign based on ACMG/AMP sequence variant interpretation guidelines (Richards et al. 2015 PMID: 25741868, with internal and published modifications).

Color Diagnostics, LLC DBA Color Health
Classification: Likely benign for Hereditary cancer-predisposing syndrome. Last evaluated: 2024-09-24. Review status: criteria provided, single submitter. Criteria: ACMG Guidelines, 2015. Collection method: clinical testing. Allele origin: germline.

Blueprint Genetics
Classification: Likely benign. Last evaluated: 2024-03-28. Review status: criteria provided, single submitter. Criteria: ACMG Guidelines, 2015. Collection method: clinical testing. Allele origin: germline.

Mendelics
Classification: Likely benign for Hereditary cancer. Last evaluated: 2024-01-23. Review status: criteria provided, single submitter. Criteria: ACMG Guidelines, 2015. Collection method: clinical testing. Allele origin: unknown.

Institute for Biomarker Research, Medical Diagnostic Laboratories, L.L.C.
Classification: Benign for Hereditary cancer-predisposing syndrome. Last evaluated: 2024-01-04. Review status: criteria provided, single submitter. Criteria: ACMG Guidelines, 2015. Collection method: clinical testing. Allele origin: germline.

Quest Diagnostics Nichols Institute San Juan Capistrano
Classification: Likely benign. Last evaluated: 2023-02-15. Review status: criteria provided, single submitter. Criteria: Quest Diagnostics criteria. Collection method: clinical testing. Allele origin: unknown.

CeGaT Center for Human Genetics Tuebingen
Classification: Likely benign. Last evaluated: 2022-05-01. Review status: criteria provided, single submitter. Criteria: Praxis fuer Humangenetik Tuebingen - Variant Classification Criteria. Collection method: clinical testing. Allele origin: germline. Affected: yes. Observed: 1 variant allele.

Institute for Clinical Genetics, University Hospital TU Dresden, University Hospital TU Dresden
Classification: Uncertain significance. Last evaluated: 2021-11-03. Review status: criteria provided, single submitter. Criteria: ACMG Guidelines, 2015. Collection method: clinical testing. Allele origin: germline.

Sema4
Classification: Uncertain significance for Hereditary cancer-predisposing syndrome. Last evaluated: 2021-10-01. Review status: criteria provided, single submitter. Criteria: Sema4 Curation Guidelines. Collection method: curation. Allele origin: germline.
Comment: The APC c.2593C>T (p.P865S) variant has been reported in heterozygosity in at least one individual undergoing testing due to a personal or family history of hereditary breast and/or ovarian cancer (PMID: 31159747). It was observed in 6/10354 chromosomes in the Ashkenazi Jewish subpopulation in the large and broad cohorts of the Genome Aggregation Database (PMID: 32461654). This variant has been reported in ClinVar (Variation ID 135690). Functional studies have not been performed, and in silico predictions of the variant's effect on protein function are inconclusive. The evidence is insufficient to meet ACMG/AMP criteria for classifying the variant as benign or pathogenic. Thus, the clinical significance of this variant is currently uncertain.

GeneDx
Classification: Likely benign. Last evaluated: 2020-12-01. Review status: criteria provided, single submitter. Criteria: GeneDx Variant Classification Process June 2021. Collection method: clinical testing. Allele origin: germline. Affected: yes.
Comment: This variant is associated with the following publications: (PMID: 27124905, 21859464, 14695993, 31159747)

Department of Pathology and Laboratory Medicine, Sinai Health System
Classification: Uncertain significance. Last evaluated: 2019-12-10. Review status: criteria provided, single submitter. Criteria: ACMG Guidelines, 2015. Collection method: clinical testing. Allele origin: germline. Affected: yes.

Ambry Genetics
Classification: Likely benign for Hereditary cancer-predisposing syndrome. Last evaluated: 2019-01-25. Review status: criteria provided, single submitter. Criteria: Ambry Variant Classification Scheme 2023. Collection method: clinical testing. Allele origin: germline.

GeneKor MSA
Classification: Uncertain significance for Hereditary cancer-predisposing syndrome. Last evaluated: 2018-08-01. Review status: criteria provided, single submitter. Criteria: ACMG Guidelines, 2015. Collection method: clinical testing. Allele origin: germline. Affected: yes.

Genomic Diagnostic Laboratory, Division of Genomic Diagnostics, Children's Hospital of Philadelphia
Classification: Uncertain significance for Adenomatous polyposis coli. Last evaluated: 2015-09-24. Review status: criteria provided, single submitter. Criteria: DGD Variant Analysis Guidelines. Collection method: clinical testing. Allele origin: unknown.

Counsyl
Classification: Uncertain significance for Familial adenomatous polyposis 1. Last evaluated: 2015-11-24. Review status: no assertion criteria provided. Collection method: clinical testing. Allele origin: unknown. Not counted in ClinVar's aggregate classification.

Literature cited by the submitters: PubMed 21859464 (cited by Women's Health and Genetics/Laboratory Corporation of America, LabCorp and Quest Diagnostics Nichols Institute San Juan Capistrano); PubMed 14695993 (cited by 3 submitters); PubMed 27124905 (cited by Women's Health and Genetics/Laboratory Corporation of America, LabCorp and Quest Diagnostics Nichols Institute San Juan Capistrano); PubMed 35534704 (cited by Women's Health and Genetics/Laboratory Corporation of America, LabCorp); PubMed 31159747 (cited by Quest Diagnostics Nichols Institute San Juan Capistrano and Sema4).